The following is an entry in ClinVar:

ClinVar aggregate classification (germline): Uncertain significance. Review status: criteria provided, multiple submitters, no conflicts (2 of 4 stars). 2 submissions from 2 submitters: Uncertain significance (2). Last evaluated 2024-01-03.

Conditions:
Hereditary cancer-predisposing syndrome. Also called: Neoplastic Syndromes, Hereditary; Tumor predisposition; Hereditary neoplastic syndrome; Hereditary Cancer Syndrome. Identifiers: Orphanet 140162, MedGen C0027672, MeSH D009386, MONDO:0015356.

Submissions (2):

GeneDx
Classification: Uncertain significance. Last evaluated: 2024-01-03. Review status: criteria provided, single submitter. Criteria: GeneDx Variant Classification Process June 2021. Collection method: clinical testing. Allele origin: germline. Affected: yes.
Comment: Not observed at significant frequency in large population cohorts (gnomAD); In silico analysis supports that this missense variant does not alter protein structure/function; Has not been previously published as pathogenic or benign to our knowledge

Ambry Genetics
Classification: Uncertain significance for Hereditary cancer-predisposing syndrome. Last evaluated: 2019-02-16. Review status: criteria provided, single submitter. Criteria: Ambry Variant Classification Scheme 2023. Collection method: clinical testing. Allele origin: germline.
Comment: The p.C173S variant (also known as c.518G>C), located in coding exon 5 of the BMPR1A gene, results from a G to C substitution at nucleotide position 518. The cysteine at codon 173 is replaced by serine, an amino acid with dissimilar properties. This amino acid position is well conserved in available vertebrate species. In addition, the in silico prediction for this alteration is inconclusive. Since supporting evidence is limited at this time, the clinical significance of this alteration remains unclear.

NM_004329.3(BMPR1A):c.518G>C (p.Cys173Ser)

Gene: BMPR1A (bone morphogenetic protein receptor type 1A; plus strand). Cytogenetic location: 10q23.2.
Variant type: single nucleotide variant.
Coding change: c.518G>C on transcript NM_004329.3 (MANE Select); coding-DNA position 518, G replaced by C.
Protein change: p.Cys173Ser; replaces cysteine 173 with serine.
Molecular consequence: missense variant.
Genome position (GRCh38, 1-based): chr10:86,900,114, G>C. VCF-style: chr10-86900114-G-C. GRCh37 (hg19) VCF-style: chr10-88659871-G-C.
Other names: short protein forms C173S.
Identifiers: ClinVar variation 825523 (VCV000825523.5), dbSNP rs1589768301, ClinGen allele CA377450699.